The following is an entry in ClinVar:

ClinVar aggregate classification (germline): Uncertain significance (1 of 4 stars; one submission).

Conditions:
Hyperammonemia, type III (NAGSD). Also called: Hyperammonemia due to N-acetylglutamate synthase deficiency. Identifiers: Orphanet 927, MedGen C0268543, MONDO:0009377, OMIM 237310.

gnomAD v4.1: 2 of 1,521,792 alleles (0.00013%); highest among the groups gnomAD compares: Non-Finnish European, 0.00018%; no homozygotes.

Submission:

Labcorp Genetics (formerly Invitae), Labcorp
Classification: Uncertain significance for Hyperammonemia, type III. Last evaluated: 2023-04-05. Review status: criteria provided, single submitter. Criteria: Invitae Variant Classification Sherloc (09022015). Collection method: clinical testing. Allele origin: germline.
Comment: This variant has not been reported in the literature in individuals affected with NAGS-related conditions. ClinVar contains an entry for this variant (Variation ID: 2037298). An algorithm developed to predict the effect of missense changes on protein structure and function (PolyPhen-2) suggests that this variant is likely to be tolerated. In summary, the available evidence is currently insufficient to determine the role of this variant in disease. Therefore, it has been classified as a Variant of Uncertain Significance. This variant is not present in population databases (gnomAD no frequency). This sequence change replaces glutamic acid, which is acidic and polar, with glutamine, which is neutral and polar, at codon 61 of the NAGS protein (p.Glu61Gln).

NM_153006.3(NAGS):c.181G>C (p.Glu61Gln)

Gene: NAGS (N-acetylglutamate synthase; plus strand). Cytogenetic location: 17q21.31.
Variant type: single nucleotide variant.
Coding change: c.181G>C on transcript NM_153006.3 (MANE Select); coding-DNA position 181, G replaced by C.
Protein change: p.Glu61Gln; replaces glutamic acid 61 with glutamine.
Molecular consequence: missense variant.
Genome position (GRCh38, 1-based): chr17:44,004,844, G>C. VCF-style: chr17-44004844-G-C. GRCh37 (hg19) VCF-style: chr17-42082212-G-C.
Other names: short protein forms E61Q.
Identifiers: ClinVar variation 2037298 (VCV002037298.4), dbSNP rs2509277447, ClinGen allele CA399737007.